The following is an entry in ClinVar:

NM_017946.4(FKBP14):c.386T>C (p.Ile129Thr)

Genes: FKBP14 (FKBP prolyl isomerase 14; minus strand), FKBP14-AS1 (FKBP14 antisense RNA 1; plus strand). Cytogenetic location: 7p14.3.
Variant type: single nucleotide variant.
Coding change: c.386T>C on transcript NM_017946.4 (MANE Select); coding-DNA position 386, T replaced by C.
Protein change: p.Ile129Thr; replaces isoleucine 129 with threonine.
Molecular consequence: missense variant. On other transcripts: non-coding transcript variant (2).
Genome position (GRCh38, 1-based): chr7:30,019,087, A>G on the plus strand (T>C on the coding strand, the complement: FKBP14 is on the minus strand). VCF-style: chr7-30019087-A-G. GRCh37 (hg19) VCF-style: chr7-30058703-A-G.
Other names: c.386T>C (NM_017946.2); short protein forms I129T.
Identifiers: ClinVar variation 853311 (VCV000853311.12), dbSNP rs201579172, ClinGen allele CA156001010.

ClinVar aggregate classification (germline): Uncertain significance. Review status: criteria provided, multiple submitters, no conflicts (2 of 4 stars). 4 submissions from 4 submitters: Uncertain significance (4). Last evaluated 2026-02-02.

Conditions:
Cardiovascular phenotype. Identifiers: MedGen CN230736.
Ehlers-Danlos syndrome, kyphoscoliotic type, 2. Also called: Ehlers-Danlos syndrome with progressive kyphoscoliosis, myopathy, and hearing loss; FKBP14-Kyphoscoliotic Ehlers-Danlos Syndrome; Ehlers-Danlos syndrome, kyphoscoliotic and deafness type. Identifiers: Orphanet 300179, MedGen C3281160, MONDO:0013800, OMIM 614557.

Allele frequency attached by ClinVar (database versions not stated): TOPMed below 0.00001; gnomAD 0.00001; gnomAD exomes 0.00001.
gnomAD v4.1: 17 of 1,588,168 alleles (0.0011%); highest among the groups gnomAD compares: Admixed American, 0.0019%; no homozygotes.

Submissions (4):

Women's Health and Genetics/Laboratory Corporation of America, LabCorp
Classification: Uncertain significance. Last evaluated: 2026-02-02. Review status: criteria provided, single submitter. Criteria: LabCorp Variant Classification Summary - May 2015. Collection method: clinical testing. Allele origin: germline.
Comment: Variant summary: FKBP14 c.386T>C (p.Ile129Thr) results in a non-conservative amino acid change in the encoded protein sequence. Algorithms developed to predict the effect of missense changes on protein structure and function all suggest that this variant is likely to be disruptive. The variant allele was found at a frequency of 1.3e-05 in 222962 control chromosomes. The available data on variant occurrences in the general population are insufficient to allow any conclusion about variant significance. To our knowledge, no occurrence of c.386T>C in individuals affected with FKBP14-related conditions and no experimental evidence demonstrating its impact on protein function have been reported. ClinVar contains an entry for this variant (Variation ID: 853311). Based on the evidence outlined above, the variant was classified as uncertain significance.

Revvity Omics, Revvity
Classification: Uncertain significance for Ehlers-Danlos syndrome, kyphoscoliotic type, 2. Last evaluated: 2025-03-11. Review status: criteria provided, single submitter. Criteria: ACMG Guidelines, 2015. Collection method: clinical testing. Allele origin: germline.

Ambry Genetics
Classification: Uncertain significance for Cardiovascular phenotype. Last evaluated: 2024-11-09. Review status: criteria provided, single submitter. Criteria: Ambry Variant Classification Scheme 2023. Collection method: clinical testing. Allele origin: germline.

Labcorp Genetics (formerly Invitae), Labcorp
Classification: Uncertain significance for Ehlers-Danlos syndrome, kyphoscoliotic type, 2. Last evaluated: 2022-08-08. Review status: criteria provided, single submitter. Criteria: Invitae Variant Classification Sherloc (09022015). Collection method: clinical testing. Allele origin: germline.
Comment: In summary, the available evidence is currently insufficient to determine the role of this variant in disease. Therefore, it has been classified as a Variant of Uncertain Significance. Algorithms developed to predict the effect of missense changes on protein structure and function are either unavailable or do not agree on the potential impact of this missense change (SIFT: "Deleterious"; PolyPhen-2: "Benign"; Align-GVGD: "Class C15"). ClinVar contains an entry for this variant (Variation ID: 853311). This variant has not been reported in the literature in individuals affected with FKBP14-related conditions. This variant is present in population databases (rs201579172, gnomAD 0.02%). This sequence change replaces isoleucine, which is neutral and non-polar, with threonine, which is neutral and polar, at codon 129 of the FKBP14 protein (p.Ile129Thr).